The following is an entry in ClinVar:

ClinVar aggregate classification (germline): Uncertain significance (1 of 4 stars; one submission).

Submission:

Ambry Genetics
Classification: Uncertain significance. Last evaluated: 2025-05-17. Review status: criteria provided, single submitter. Criteria: Ambry Variant Classification Scheme 2023. Collection method: clinical testing. Allele origin: germline.
Comment: The p.S1059P variant (also known as c.3175T>C), located in coding exon 1 of the TET2 gene, results from a T to C substitution at nucleotide position 3175. The serine at codon 1059 is replaced by proline, an amino acid with similar properties. This amino acid position is conserved. In addition, this alteration is predicted to be tolerated by in silico analysis. Based on the available evidence, the clinical significance of this variant remains unclear.

NM_001127208.3(TET2):c.3175T>C (p.Ser1059Pro)

Genes: TET2 (tet methylcytosine dioxygenase 2; plus strand), TET2-AS1 (TET2 antisense RNA 1; minus strand). Cytogenetic location: 4q24.
Variant type: single nucleotide variant.
Coding change: c.3175T>C on transcript NM_001127208.3 (MANE Select); coding-DNA position 3175, T replaced by C.
Protein change: p.Ser1059Pro; replaces serine 1059 with proline.
Molecular consequence: missense variant.
Genome position (GRCh38, 1-based): chr4:105,237,117, T>C. VCF-style: chr4-105237117-T-C. GRCh37 (hg19) VCF-style: chr4-106158274-T-C.
Other names: c.3175T>C, p.Ser1059Pro (NM_017628.4); short protein forms S1059P.
Identifiers: ClinVar variation 3967642 (VCV003967642.1).